The following is an entry in ClinVar:

ClinVar aggregate classification (germline): Likely benign (1 of 4 stars; one submission).

Allele frequency attached by ClinVar (database versions not stated): 1000 Genomes Project 0.00060; 1000 Genomes Project 30x 0.00062; TOPMed 0.00236; gnomAD 0.00246; ExAC 0.00377; gnomAD exomes 0.00399.
gnomAD v4.1: 6,055 of 1,598,884 alleles (0.38%); highest among the groups gnomAD compares: Non-Finnish European, 0.48%; 17 homozygotes.

Submission:

CeGaT Center for Human Genetics Tuebingen
Classification: Likely benign. Last evaluated: 2023-01-01. Review status: criteria provided, single submitter. Criteria: CeGaT Center For Human Genetics Tuebingen Variant Classification Criteria Version 2. Collection method: clinical testing. Allele origin: germline. Affected: yes. Observed: 2 variant alleles.
Comment: QRSL1: BS2

NM_018292.5(QRSL1):c.849+72A>C

Gene: QRSL1 (glutaminyl-tRNA amidotransferase subunit QRSL1; plus strand). Cytogenetic location: 6q21.
Variant type: single nucleotide variant.
Coding change: c.849+72A>C on transcript NM_018292.5 (MANE Select); 72 bases into the intron after coding-DNA position 849, A replaced by C.
Molecular consequence: intron variant.
Genome position (GRCh38, 1-based): chr6:106,652,654, A>C. VCF-style: chr6-106652654-A-C. GRCh37 (hg19) VCF-style: chr6-107100529-A-C.
Identifiers: ClinVar variation 2656811 (VCV002656811.24), dbSNP rs182715308, ClinGen allele CA3944881.